The following is an entry in ClinVar:

NM_000359.3(TGM1):c.319+2T>C

Gene: TGM1 (transglutaminase 1; minus strand). Cytogenetic location: 14q12.
Variant type: single nucleotide variant.
Coding change: c.319+2T>C on transcript NM_000359.3 (MANE Select); the canonical splice donor site of the intron after coding-DNA position 319, T replaced by C.
Molecular consequence: splice donor variant.
Genome position (GRCh38, 1-based): chr14:24,262,032, A>G on the plus strand (T>C on the coding strand, the complement: TGM1 is on the minus strand). VCF-style: chr14-24262032-A-G. GRCh37 (hg19) VCF-style: chr14-24731238-A-G.
Other names: c.319+2T>C (NM_000359.2).
Identifiers: ClinVar variation 3240604 (VCV003240604.4), dbSNP rs2040815760.

ClinVar aggregate classification (germline): Likely pathogenic. Review status: criteria provided, multiple submitters, no conflicts (2 of 4 stars). 3 submissions from 3 submitters: Likely pathogenic (3). Last evaluated 2024-04-30.

Conditions:
Autosomal recessive congenital ichthyosis 1 (LI1). Also called: COLLODION FETUS; DESQUAMATION OF NEWBORN; ICHTHYOSIS CONGENITA; ICHTHYOSIS CONGENITA II; LAMELLAR EXFOLIATION OF NEWBORN; ICHTHYOSIS, CONGENITAL, AUTOSOMAL RECESSIVE 1, WITH BATHING SUIT DISTRIBUTION. Identifiers: MedGen C4551630, MONDO:0009441, OMIM 242300.

Allele frequency attached by ClinVar (database versions not stated): TOPMed below 0.00001.

Submissions (3):

Natera, Inc.
Classification: Likely pathogenic for Autosomal recessive congenital ichthyosis type 1. Last evaluated: 2024-04-30. Review status: criteria provided, single submitter. Criteria: Natera Variant Classification Schema (03/2026). Collection method: clinical testing. Allele origin: germline.
Comment: The c.319+2T>C variant in TGM1 is a canonical splice donor site variant predicted to affect pre-mRNA splicing, which may result in an abnormal transcript and altered protein product. This variant is expected to result in nonsense mediated decay, truncation, or a dysfunctional protein product. This variant is rare in the general population with a frequency below the threshold expected for the associated phenotype(s). Given the available evidence, this variant is classified as Likely Pathogenic.

Labcorp Genetics (formerly Invitae), Labcorp
Classification: Likely pathogenic. Last evaluated: 2024-03-06. Review status: criteria provided, single submitter. Criteria: Invitae Variant Classification Sherloc (09022015). Collection method: clinical testing. Allele origin: germline.
Comment: This sequence change affects a donor splice site in intron 2 of the TGM1 gene. It is expected to disrupt RNA splicing. Variants that disrupt the donor or acceptor splice site typically lead to a loss of protein function (PMID: 16199547), and loss-of-function variants in TGM1 are known to be pathogenic (PMID: 18948357, 19241467). This variant is not present in population databases (gnomAD no frequency). This variant has not been reported in the literature in individuals affected with TGM1-related conditions. Algorithms developed to predict the effect of sequence changes on RNA splicing suggest that this variant may disrupt the consensus splice site. In summary, the currently available evidence indicates that the variant is pathogenic, but additional data are needed to prove that conclusively. Therefore, this variant has been classified as Likely Pathogenic.

Baylor Genetics
Classification: Likely pathogenic for Autosomal recessive congenital ichthyosis 1. Last evaluated: 2023-12-03. Review status: criteria provided, single submitter. Criteria: ACMG Guidelines, 2015. Collection method: clinical testing. Allele origin: unknown.

Literature cited by the submitters: PubMed 16199547 (cited by Labcorp Genetics (formerly Invitae), Labcorp); PubMed 18948357 (cited by Labcorp Genetics (formerly Invitae), Labcorp); PubMed 19241467 (cited by Labcorp Genetics (formerly Invitae), Labcorp).